The following is an entry in ClinVar:

ClinVar aggregate classification (germline): Pathogenic/Likely pathogenic. Review status: criteria provided, multiple submitters, no conflicts (2 of 4 stars). 7 submissions from 7 submitters: Pathogenic (1); Likely pathogenic (4). 2 of the submissions do not count toward it. Last evaluated 2025-12-20.

Conditions:
Joubert syndrome. Also called: Familial aplasia of the vermis; JOUBERT-BOLTSHAUSER SYNDROME. Identifiers: Orphanet 475, MedGen C5979921, MONDO:0018772.
Meckel-Gruber syndrome. Also called: DYSENCEPHALIA SPLANCHNOCYSTICA; GRUBER SYNDROME; Dysencephalia splachnocystica. Identifiers: Orphanet 564, MedGen C0265215, MONDO:0018921.
Meckel syndrome, type 5 (MKS5). Identifiers: Orphanet 564, MedGen C1969052, MONDO:0012695, OMIM 611561.
Joubert syndrome 7 (JBTS7). Identifiers: Orphanet 220497, MedGen C1969053, MONDO:0012694, OMIM 611560.
COACH syndrome 3. Identifiers: MedGen C5436841, MONDO:0030862, OMIM 619113.
RPGRIP1L-related disorder. Also called: RPGRIP1L-related condition; RPGRIP1L-related disorders. Identifiers: MedGen CN239416.

Allele frequency attached by ClinVar (database versions not stated): gnomAD exomes 0.00001; gnomAD 0.00003 and 0.00004; TOPMed 0.00003.
gnomAD v4.1: 14 of 1,611,918 alleles (0.00087%); highest among the groups gnomAD compares: Non-Finnish European, 0.0012%; no homozygotes.

Submissions (7):

Labcorp Genetics (formerly Invitae), Labcorp
Classification: Pathogenic for Joubert syndrome; Meckel-Gruber syndrome. Last evaluated: 2025-12-20. Review status: criteria provided, single submitter. Criteria: Invitae Variant Classification Sherloc (09022015). Collection method: clinical testing. Allele origin: germline.
Comment: This sequence change creates a premature translational stop signal (p.Lys195*) in the RPGRIP1L gene. It is expected to result in an absent or disrupted protein product. Loss-of-function variants in RPGRIP1L are known to be pathogenic (PMID: 17558409). This variant is present in population databases (no rsID available, gnomAD 0.007%). This variant has not been reported in the literature in individuals affected with RPGRIP1L-related conditions. ClinVar contains an entry for this variant (Variation ID: 591393). For these reasons, this variant has been classified as Pathogenic.

Natera, Inc.
Classification: Likely pathogenic for Joubert syndrome. Last evaluated: 2024-08-26. Review status: criteria provided, single submitter. Criteria: Natera Variant Classification Schema (03/2026). Collection method: clinical testing. Allele origin: germline.
Comment: The c.583A>T variant in RPGRIP1L is a nonsense variant predicted to introduce a stop codon at amino acid 195. This variant is expected to result in nonsense mediated decay, truncation, or a dysfunctional protein product. This variant is rare in the general population with a frequency below the threshold expected for the associated phenotype(s). Given the available evidence, this variant is classified as Likely Pathogenic.

Revvity Omics, Revvity
Classification: Likely pathogenic. Last evaluated: 2024-08-13. Review status: criteria provided, single submitter. Criteria: ACMG Guidelines, 2015. Collection method: clinical testing. Allele origin: germline.

Blueprint Genetics
Classification: Likely pathogenic for RPGRIP1L-related disorders. Last evaluated: 2023-12-01. Review status: criteria provided, single submitter. Criteria: ACMG Guidelines, 2015. Collection method: clinical testing. Allele origin: germline. Affected: yes. Observed: 3 variant alleles.

Fulgent Genetics
Classification: Likely pathogenic for Joubert syndrome 7; Meckel syndrome, type 5; COACH syndrome 3. Last evaluated: 2022-05-10. Review status: criteria provided, single submitter. Criteria: ACMG Guidelines, 2015. Collection method: clinical testing. Allele origin: unknown.

PreventionGenetics, part of Exact Sciences
Classification: Likely pathogenic for RPGRIP1L-related condition. Last evaluated: 2024-05-13. Review status: no assertion criteria provided. Collection method: clinical testing. Allele origin: germline. Not counted in ClinVar's aggregate classification.
Comment: The RPGRIP1L c.583A>T variant is predicted to result in premature protein termination (p.Lys195*). To our knowledge, this variant has not been reported in individuals affected with RPGRIP1L-related conditions in the literature. This variant is reported in 0.0065% of alleles in individuals of European (Non-Finnish) descent in gnomAD. Nonsense variants in RPGRIP1L are expected to be pathogenic. This variant is interpreted as likely pathogenic.

Gharavi Laboratory, Columbia University
Classification: Uncertain significance. Last evaluated: 2018-09-16. Review status: no assertion criteria provided. Criteria: ACMG Guidelines, 2015. Collection method: research. Allele origin: germline. Affected: yes. Not counted in ClinVar's aggregate classification.

Literature cited by the submitters: PubMed 17558409 (cited by Labcorp Genetics (formerly Invitae), Labcorp).

NM_015272.5(RPGRIP1L):c.583A>T (p.Lys195Ter)

Gene: RPGRIP1L (RPGRIP1 like; minus strand). Cytogenetic location: 16q12.2.
Variant type: single nucleotide variant.
Coding change: c.583A>T on transcript NM_015272.5 (MANE Select); coding-DNA position 583, A replaced by T.
Protein change: p.Lys195Ter; replaces lysine 195 with a stop codon.
Molecular consequence: nonsense.
Genome position (GRCh38, 1-based): chr16:53,687,912, T>A on the plus strand (A>T on the coding strand, the complement: RPGRIP1L is on the minus strand). VCF-style: chr16-53687912-T-A. GRCh37 (hg19) VCF-style: chr16-53721824-T-A.
Other names: c.583A>T, p.Lys195Ter (NM_001127897.4, NM_001308334.3, NM_001330538.2); c.583A>T (NM_015272.4); short protein forms K195*.
Identifiers: ClinVar variation 591393 (VCV000591393.20), dbSNP rs1277577195, ClinGen allele CA395924473.
Genomic context (GRCh38, chr16:53,687,912, plus strand): 5'-AGAACACATACAAATTTCTTATTTCTCCTCTGGCTTCTTCAAGTAAACTGTTGCCATATT[T>A]TGTAAACATGGGATGTGGAGTTTCTGCTACATCTGCATCTTGGAATTTTATACCTAAAAA-3'